The following is an entry in ClinVar:

ClinVar aggregate classification (germline): Likely benign. Review status: criteria provided, multiple submitters, no conflicts (2 of 4 stars). 2 submissions from 2 submitters: Likely benign (2). Last evaluated 2022-10-13.

Allele frequency attached by ClinVar (database versions not stated): ExAC 0.00001; gnomAD exomes 0.00002 and 0.00006; TOPMed 0.00002; gnomAD 0.00004.
gnomAD v4.1: 90 of 1,613,798 alleles (0.0056%); highest among the groups gnomAD compares: Admixed American, 0.012%; no homozygotes.

Submissions (2):

Labcorp Genetics (formerly Invitae), Labcorp
Classification: Likely benign. Last evaluated: 2022-10-13. Review status: criteria provided, single submitter. Criteria: Invitae Variant Classification Sherloc (09022015). Collection method: clinical testing. Allele origin: germline.

GeneDx
Classification: Likely benign. Last evaluated: 2017-09-05. Review status: criteria provided, single submitter. Criteria: GeneDx Variant Classification (06012015). Collection method: clinical testing. Allele origin: germline. Affected: yes.
Comment: This variant is considered likely benign or benign based on one or more of the following criteria: it is a conservative change, it occurs at a poorly conserved position in the protein, it is predicted to be benign by multiple in silico algorithms, and/or has population frequency not consistent with disease.

NM_006086.4(TUBB3):c.882C>T (p.Phe294=)

Gene: TUBB3 (tubulin beta 3 class III; plus strand). Cytogenetic location: 16q24.3.
Variant type: single nucleotide variant.
Coding change: c.882C>T on transcript NM_006086.4 (MANE Select); coding-DNA position 882, C replaced by T.
Protein change: p.Phe294=; no amino-acid change (phenylalanine 294 retained).
Molecular consequence: synonymous variant.
Genome position (GRCh38, 1-based): chr16:89,935,333, C>T. VCF-style: chr16-89935333-C-T. GRCh37 (hg19) VCF-style: chr16-90001741-C-T.
Other names: c.666C>T, p.Phe222= (NM_001197181.2).
Identifiers: ClinVar variation 516576 (VCV000516576.5), dbSNP rs753163862, ClinGen allele CA8256176.
Genomic context (GRCh38, chr16:89,935,333, plus strand): 5'-AGCCCGGGGCAGCCAGCAGTACCGGGCCCTGACCGTGCCCGAGCTCACCCAGCAGATGTT[C>T]GATGCCAAGAACATGATGGCCGCCTGCGACCCGCGCCACGGCCGCTACCTGACGGTGGCC-3'
Protein context (NP_006077.2, residues 284-304): LTVPELTQQM[Phe294=]DAKNMMAACD